The following is an entry in ClinVar:

NM_000203.5(IDUA):c.1146dup (p.Arg383fs)

Gene: IDUA (alpha-L-iduronidase; plus strand). Cytogenetic location: 4p16.3.
Variant type: Duplication.
Coding change: c.1146dup on transcript NM_000203.5 (MANE Select); coding-DNA position 1146, one base duplicated (G; older notation c.1146dupG).
Protein change: p.Arg383fs; shifts the reading frame from arginine 383.
Molecular consequence: frameshift variant. On other transcripts: non-coding transcript variant (1).
Genome position (GRCh38, 1-based): chr4:1,002,442, G duplicated. VCF-style (leftmost placement, unchanged base first): chr4-1002441-T-TG. GRCh37 (hg19) VCF-style: chr4-996229-T-TG.
Other names: NM_001363576.1:c.750dup; c.750dup, p.Arg251fs (NM_001363576.1); short protein forms R251fs, R383fs.
Identifiers: ClinVar variation 4871855 (VCV004871855.1).
Genomic context (GRCh38, chr4:1,002,441, plus strand): 5'-AGCGCACGCTCACCGCGCGCTTCCAGGTCAACAACACCCGCCCGCCGCACGTGCAGCTGT[T>TG]GCGCAAGCCGGTGCTCACGGCCATGGGGCTGCTGGCGCTGCTGGGTGAGCCGGGGCCGCT-3'

ClinVar aggregate classification (germline): Pathogenic (3 of 4 stars; one submission).

Conditions:
Mucopolysaccharidosis type 1. Also called: IDUA deficiency; MPS I; Mucopolysaccharidosis Type I. Identifiers: Orphanet 579, MedGen C0023786, MONDO:0001586.

Submission:

ClinGen Lysosomal Storage Disorder Variant Curation Expert Panel
Classification: Pathogenic for Mucopolysaccharidosis type 1. Last evaluated: 2026-06-01. Review status: reviewed by expert panel. Criteria: ClinGen LSD ACMG Specifications IDUA V1.2.0. Collection method: curation. Allele origin: germline. Inheritance: Autosomal recessive inheritance.
Comment: The NM_000203.5:c.1146dup (p.Arg383AlafsTer16) variant in IDUA is a frameshift variant predicted to cause a premature stop codon in biologically-relevant-exon 9 out of 14, leading to nonsense mediated decay in a gene in which loss-of-function is an established disease mechanism (PVS1). One patient with this variant had documented IDUA deficiency within the affected range in leukocytes, increased excretion of urinary GAGs dermatan and heparan sulfate, and clinical features specific to MPS I including hepatosplenomegaly and arthropathy (PMID: 21480867) (PP4_Moderate). This individual was compound heterozygous for the variant and a variant in IDUA that has been classified as pathogenic variant for MPS I by the ClinGen LD VCEP; the variant was confirmed in trans by parental testing. The second variant included c.46_52del12 (ClinVarID: 92643, PMID: 21480867) (PM3). This variant is absent in gnomAD v4.1.0. (PM2_Supporting). In summary, this variant meets the criteria to be classified as pathogenic for MPS I based on the IDUA-specific ACMG/AMP criteria applied, as specified by the ClinGen Lysosomal Diseases Variant Curation Expert Panel (Specifications Version 1.2.0): PVS1, PP4_Moderate; PM3, PM2_supporting. (Classification approved by the ClinGen Lysosomal Diseases Variant Curation Expert Panel, June 1, 2026)